The following is an entry in ClinVar:

ClinVar aggregate classification (germline): Likely benign. Review status: criteria provided, multiple submitters, no conflicts (2 of 4 stars). 2 submissions from 2 submitters: Likely benign (2). Last evaluated 2025-07-17.

Conditions:
Hereditary nonpolyposis colorectal neoplasms. Identifiers: MedGen C0009405, MeSH D003123.
Lynch syndrome 4 (LYNCH4). Also called: Hereditary non-polyposis colorectal cancer, type 4; Colorectal cancer, hereditary nonpolyposis, type 4. Identifiers: Orphanet 144, MedGen C1838333, MONDO:0013699, OMIM 614337. Disease mechanism: loss of function.

Allele frequency attached by ClinVar (database versions not stated): gnomAD exomes below 0.00001.
gnomAD v4.1: 1 of 1,361,040 alleles (0.000073%); highest among the groups gnomAD compares: Admixed American, 0.0017%; no homozygotes.

Submissions (2):

Labcorp Genetics (formerly Invitae), Labcorp
Classification: Likely benign for Hereditary nonpolyposis colorectal neoplasms. Last evaluated: 2025-07-17. Review status: criteria provided, single submitter. Criteria: Invitae Variant Classification Sherloc (09022015). Collection method: clinical testing. Allele origin: germline.

Myriad Genetics, Inc.
Classification: Likely benign for Lynch syndrome 4. Last evaluated: 2025-01-28. Review status: criteria provided, single submitter. Criteria: Myriad Autosomal Dominant, Autosomal Recessive and X-Linked Classification Criteria (2023). Collection method: clinical testing. Allele origin: unknown.
Comment: This variant is considered likely benign. This variant is intronic and is not expected to impact mRNA splicing.

NM_000535.7(PMS2):c.803+8G>T

Gene: PMS2 (PMS1 homolog 2, mismatch repair system component; minus strand). Cytogenetic location: 7p22.1.
Variant type: single nucleotide variant.
Coding change: c.803+8G>T on transcript NM_000535.7 (MANE Select); 8 bases into the intron after coding-DNA position 803, G replaced by T.
Molecular consequence: intron variant.
Genome position (GRCh38, 1-based): chr7:5,997,318, C>A on the plus strand (G>T on the coding strand, the complement: PMS2 is on the minus strand). VCF-style: chr7-5997318-C-A. GRCh37 (hg19) VCF-style: chr7-6036949-C-A.
Other names: c.485+8G>T (NM_001322008.2, NM_001322007.2); c.398+8G>T (NM_001322010.2, NM_001322004.2, NM_001322003.2 and 2 more transcripts); c.230+8G>T (NM_001322013.2); c.-131+8G>T (NM_001322012.2, NM_001322011.2); c.494+8G>T (NM_001322015.2); c.803+8G>T (NM_001322006.2, NM_001322014.2).
Identifiers: ClinVar variation 1137015 (VCV001137015.10), dbSNP rs2128786200, ClinGen allele CA2499218960.